The following is an entry in ClinVar:

NM_001369.3(DNAH5):c.6427G>T (p.Glu2143Ter)

Gene: DNAH5 (dynein axonemal heavy chain 5; minus strand). Cytogenetic location: 5p15.2.
Variant type: single nucleotide variant.
Coding change: c.6427G>T on transcript NM_001369.3 (MANE Select); coding-DNA position 6427, G replaced by T.
Protein change: p.Glu2143Ter; replaces glutamic acid 2143 with a stop codon.
Molecular consequence: nonsense.
Genome position (GRCh38, 1-based): chr5:13,829,527, C>A on the plus strand (G>T on the coding strand, the complement: DNAH5 is on the minus strand). VCF-style: chr5-13829527-C-A. GRCh37 (hg19) VCF-style: chr5-13829636-C-A.
Other names: short protein forms E2143*.
Identifiers: ClinVar variation 422000 (VCV000422000.12), dbSNP rs1064795496, ClinGen allele CA16618118.

ClinVar aggregate classification (germline): Pathogenic/Likely pathogenic. Review status: criteria provided, multiple submitters, no conflicts (2 of 4 stars). 5 submissions from 5 submitters: Pathogenic (3); Likely pathogenic (2). Last evaluated 2026-01-26.

Conditions:
DNAH5-related disorder. Also called: DNAH5-related condition.
Primary ciliary dyskinesia. Also called: Ciliary dyskinesia. Identifiers: Orphanet 244, MedGen C0008780, MONDO:0016575, HP:0012265.
Primary ciliary dyskinesia 3. Identifiers: Orphanet 244, MedGen C1837618, MONDO:0012085, OMIM 608644.

Allele frequency attached by ClinVar (database versions not stated): gnomAD exomes below 0.00001.
gnomAD v4.1: 1 of 1,614,154 alleles (0.000062%); highest among the groups gnomAD compares: Non-Finnish European, 0.000085%; no homozygotes.

Submissions (5):

Natera, Inc.
Classification: Likely pathogenic for Primary ciliary dyskinesia. Last evaluated: 2026-01-26. Review status: criteria provided, single submitter. Criteria: Natera Variant Classification Schema (03/2026). Collection method: clinical testing. Allele origin: germline.
Comment: The c.6427G>T variant in DNAH5 is a nonsense variant predicted to introduce a stop codon at amino acid 2143. This variant is expected to result in nonsense mediated decay, truncation, or a dysfunctional protein product. This variant is rare in the general population with a frequency below the threshold expected for the associated phenotype(s). Given the available evidence, this variant is classified as Likely Pathogenic.

PreventionGenetics, part of Exact Sciences
Classification: Likely pathogenic for DNAH5-related condition. Last evaluated: 2025-01-08. Review status: criteria provided, single submitter. Criteria: ACMG Guidelines, 2015. Collection method: clinical testing. Allele origin: germline.
Comment: The DNAH5 c.6427G>T variant is predicted to result in premature protein termination (p.Glu2143*). This variant was reported in an individual with primary ciliary dyskinesia (Olbrich et al. 2002. PubMed ID: 11788826; Hornef et al. 2006. PubMed ID: 16627867). This variant has not been reported in a large population database (gnomAD), indicating this variant is rare. Nonsense variants in DNAH5 are expected to be pathogenic. This variant is interpreted as likely pathogenic.

Myriad Genetics, Inc.
Classification: Pathogenic for Primary ciliary dyskinesia 3. Last evaluated: 2024-05-08. Review status: criteria provided, single submitter. Criteria: Myriad Autosomal Dominant, Autosomal Recessive and X-Linked Classification Criteria (2023). Collection method: clinical testing. Allele origin: unknown.
Comment: NM_001369.2(DNAH5):c.6427G>T(E2143*) is expected to be pathogenic in the context of primary ciliary dyskinesia, DNAH5-related. This variant is predicted to lead to an abnormal or absent protein product due to the creation of a premature termination codon in DNAH5, a gene where loss-of-function variants are known to be pathogenic. Please note: this variant was assessed in the context of healthy population screening.

GeneDx
Classification: Pathogenic. Last evaluated: 2024-02-23. Review status: criteria provided, single submitter. Criteria: GeneDx Variant Classification Process June 2021. Collection method: clinical testing. Allele origin: germline. Affected: yes.
Comment: Nonsense variant predicted to result in protein truncation or nonsense mediated decay in a gene for which loss of function is a known mechanism of disease; Not observed at significant frequency in large population cohorts (gnomAD); Has not been previously published as pathogenic or benign to our knowledge

Labcorp Genetics (formerly Invitae), Labcorp
Classification: Pathogenic for Primary ciliary dyskinesia. Last evaluated: 2023-05-05. Review status: criteria provided, single submitter. Criteria: Invitae Variant Classification Sherloc (09022015). Collection method: clinical testing. Allele origin: germline.
Comment: This sequence change creates a premature translational stop signal (p.Glu2143*) in the DNAH5 gene. It is expected to result in an absent or disrupted protein product. Loss-of-function variants in DNAH5 are known to be pathogenic (PMID: 11788826, 16627867). This variant is not present in population databases (gnomAD no frequency). This variant has not been reported in the literature in individuals affected with DNAH5-related conditions. ClinVar contains an entry for this variant (Variation ID: 422000). Algorithms developed to predict the effect of sequence changes on RNA splicing suggest that this variant may disrupt the consensus splice site. For these reasons, this variant has been classified as Pathogenic.

Literature cited by the submitters: PubMed 11788826 (cited by Labcorp Genetics (formerly Invitae), Labcorp); PubMed 16627867 (cited by Labcorp Genetics (formerly Invitae), Labcorp).